The following is an entry in ClinVar:

NM_003072.5(SMARCA4):c.2408A>G (p.Asn803Ser)

Gene: SMARCA4 (SWI/SNF related BAF chromatin remodeling complex subunit ATPase 4; plus strand). Cytogenetic location: 19p13.2.
Variant type: single nucleotide variant.
Coding change: c.2408A>G on transcript NM_003072.5 (MANE Select); coding-DNA position 2408, A replaced by G.
Protein change: p.Asn803Ser; replaces asparagine 803 with serine.
Molecular consequence: missense variant. On other transcripts: non-coding transcript variant (1).
Genome position (GRCh38, 1-based): chr19:11,013,082, A>G. VCF-style: chr19-11013082-A-G. GRCh37 (hg19) VCF-style: chr19-11123758-A-G.
Other names: c.2408A>G, p.Asn803Ser (NM_001128844.3, NM_001128845.2, NM_001128846.2 and 5 more transcripts); short protein forms N803S.
Identifiers: ClinVar variation 1346847 (VCV001346847.6), dbSNP rs2146280868, ClinGen allele CA404053302.

ClinVar aggregate classification (germline): Uncertain significance (1 of 4 stars; one submission).

Conditions:
Rhabdoid tumor predisposition syndrome 2 (RTPS2). Identifiers: Orphanet 231108, Orphanet 69077, MedGen C2750074, MONDO:0013224, OMIM 613325.

Submission:

Labcorp Genetics (formerly Invitae), Labcorp
Classification: Uncertain significance for Rhabdoid tumor predisposition syndrome 2. Last evaluated: 2023-05-31. Review status: criteria provided, single submitter. Criteria: Invitae Variant Classification Sherloc (09022015). Collection method: clinical testing. Allele origin: germline.
Comment: In summary, the available evidence is currently insufficient to determine the role of this variant in disease. Therefore, it has been classified as a Variant of Uncertain Significance. Advanced modeling of protein sequence and biophysical properties (such as structural, functional, and spatial information, amino acid conservation, physicochemical variation, residue mobility, and thermodynamic stability) has been performed at Invitae for this missense variant, however the output from this modeling did not meet the statistical confidence thresholds required to predict the impact of this variant on SMARCA4 protein function. ClinVar contains an entry for this variant (Variation ID: 1346847). This variant has not been reported in the literature in individuals affected with SMARCA4-related conditions. This variant is not present in population databases (gnomAD no frequency). This sequence change replaces asparagine, which is neutral and polar, with serine, which is neutral and polar, at codon 803 of the SMARCA4 protein (p.Asn803Ser).